The following is an entry in ClinVar:

NM_005631.5(SMO):c.516C>T (p.Asp172=)

Gene: SMO (smoothened, frizzled class receptor; plus strand). Cytogenetic location: 7q32.1.
Variant type: single nucleotide variant.
Coding change: c.516C>T on transcript NM_005631.5 (MANE Select); coding-DNA position 516, C replaced by T.
Protein change: p.Asp172=; no amino-acid change (aspartic acid 172 retained).
Molecular consequence: synonymous variant.
Genome position (GRCh38, 1-based): chr7:129,203,568, C>T. VCF-style: chr7-129203568-C-T. GRCh37 (hg19) VCF-style: chr7-128843409-C-T.
Identifiers: ClinVar variation 3058273 (VCV003058273.2), dbSNP rs2150646905, ClinGen allele CA457624711.

ClinVar aggregate classification (germline): Likely benign (0 of 4 stars; one submission).

Conditions:
SMO-related disorder. Also called: SMO-related condition.

Submission:

PreventionGenetics, part of Exact Sciences
Classification: Likely benign for SMO-related condition. Last evaluated: 2019-02-20. Review status: no assertion criteria provided. Collection method: clinical testing. Allele origin: germline.
Comment: This variant is classified as likely benign based on ACMG/AMP sequence variant interpretation guidelines (Richards et al. 2015 PMID: 25741868, with internal and published modifications).